The following is an entry in ClinVar:

ClinVar aggregate classification (germline): Uncertain significance (1 of 4 stars; one submission).

gnomAD v4.1: 30 of 1,613,988 alleles (0.0019%); highest among the groups gnomAD compares: South Asian, 0.031%; 1 homozygote.

Submission:

Women's Health and Genetics/Laboratory Corporation of America, LabCorp
Classification: Uncertain significance. Last evaluated: 2026-02-18. Review status: criteria provided, single submitter. Criteria: LabCorp Variant Classification Summary - May 2015. Collection method: clinical testing. Allele origin: germline.
Comment: Variant summary: XDH c.2826G>A (p.Val942Val) alters a conserved nucleotide located close to a canonical splice site and therefore could affect mRNA splicing, leading to a significantly altered protein sequence. Consensus agreement among computation tools predict no significant impact on normal splicing. However, these predictions have yet to be confirmed by functional studies. The variant allele was found at a frequency of 4.8e-05 in 250962 control chromosomes. This frequency is not significantly higher than estimated for disease-causing variants in XDH, allowing no conclusion about variant significance. To our knowledge, no occurrence of c.2826G>A in individuals affected with XDH-related conditions and no experimental evidence demonstrating its impact on protein function have been reported. No submitters have cited clinical-significance assessments for this variant to ClinVar. Based on the evidence outlined above, the variant was classified as uncertain significance.

NM_000379.4(XDH):c.2826G>A (p.Val942=)

Gene: XDH (xanthine dehydrogenase; minus strand). Cytogenetic location: 2p23.1.
Variant type: single nucleotide variant.
Coding change: c.2826G>A on transcript NM_000379.4 (MANE Select); coding-DNA position 2826, G replaced by A.
Protein change: p.Val942=; no amino-acid change (valine 942 retained).
Molecular consequence: synonymous variant.
Genome position (GRCh38, 1-based): chr2:31,349,829, C>T on the plus strand (G>A on the coding strand, the complement: XDH is on the minus strand). VCF-style: chr2-31349829-C-T. GRCh37 (hg19) VCF-style: chr2-31572695-C-T.
Identifiers: ClinVar variation 4848260 (VCV004848260.1).
Genomic context (GRCh38, chr2:31,349,829, plus strand): 5'-ACCCTCAAGCTTCTGGTTGAAGTGTGTCAGGTCCCCTTCTTTGTACAGGTTTTTTCTCCG[C>T]ACCTTCCCAAGGAGAGAGACACAGAGGCCTTGTTGGCGGCAAGAGACTGTGGGGGCAGGG-3'
Protein context (NP_000370.2, residues 932-952): AVTCGMPAEE[Val942=]RRKNLYKEGD